The following is an entry in ClinVar:

ClinVar aggregate classification (germline): Uncertain significance (1 of 4 stars; one submission).

Conditions:
Combined oxidative phosphorylation defect type 14. Also called: Combined oxidative phosphorylation deficiency 14. Identifiers: Orphanet 319519, MedGen C4755312, MONDO:0013986, OMIM 614946.

Submission:

Labcorp Genetics (formerly Invitae), Labcorp
Classification: Uncertain significance for Combined oxidative phosphorylation defect type 14. Last evaluated: 2021-10-22. Review status: criteria provided, single submitter. Criteria: Invitae Variant Classification Sherloc (09022015). Collection method: clinical testing. Allele origin: germline.
Comment: This sequence change replaces lysine with asparagine at codon 210 of the FARS2 protein (p.Lys210Asn). The lysine residue is moderately conserved and there is a moderate physicochemical difference between lysine and asparagine. In summary, the available evidence is currently insufficient to determine the role of this variant in disease. Therefore, it has been classified as a Variant of Uncertain Significance. Advanced modeling of protein sequence and biophysical properties (such as structural, functional, and spatial information, amino acid conservation, physicochemical variation, residue mobility, and thermodynamic stability) performed at Invitae indicates that this missense variant is not expected to disrupt FARS2 protein function. This variant has not been reported in the literature in individuals affected with FARS2-related conditions. This variant is not present in population databases (ExAC no frequency).

NM_006567.5(FARS2):c.630G>C (p.Lys210Asn)

Gene: FARS2 (phenylalanyl-tRNA synthetase 2, mitochondrial; plus strand). Cytogenetic location: 6p25.1.
Variant type: single nucleotide variant.
Coding change: c.630G>C on transcript NM_006567.5 (MANE Select); coding-DNA position 630, G replaced by C.
Protein change: p.Lys210Asn; replaces lysine 210 with asparagine.
Molecular consequence: missense variant. On other transcripts: 5 prime UTR variant (2).
Genome position (GRCh38, 1-based): chr6:5,404,559, G>C. VCF-style: chr6-5404559-G-C. GRCh37 (hg19) VCF-style: chr6-5404792-G-C.
Other names: c.630G>C, p.Lys210Asn (NM_001318872.2, NM_001374875.1, NM_001374876.1 and 5 more transcripts); c.-67G>C (NM_001375259.1, NM_001375260.1); short protein forms K210N.
Identifiers: ClinVar variation 1023378 (VCV001023378.6), dbSNP rs1761441511, ClinGen allele CA362735710.
Genomic context (GRCh38, chr6:5,404,559, plus strand): 5'-GCCAGGATATTTTCTTTATTTATACTTTCCTGTTGGTTTACAGTTATTTGCTGGTATAAA[G>C]GATGGAGAAAGCCTGCAGCTCTTTGAACAAAGTTCTCGCTCTGCGCATAAACAAGAGACA-3'
Protein context (NP_006558.1, residues 200-220): FSKHELFAGI[Lys210Asn]DGESLQLFEQ